The following is an entry in ClinVar:

NM_000548.5(TSC2):c.4945G>A (p.Val1649Ile)

Gene: TSC2 (TSC complex subunit 2; plus strand). Cytogenetic location: 16p13.3.
Variant type: single nucleotide variant.
Coding change: c.4945G>A on transcript NM_000548.5 (MANE Select); coding-DNA position 4945, G replaced by A.
Protein change: p.Val1649Ile; replaces valine 1649 with isoleucine.
Molecular consequence: missense variant.
Genome position (GRCh38, 1-based): chr16:2,086,827, G>A. VCF-style: chr16-2086827-G-A. GRCh37 (hg19) VCF-style: chr16-2136828-G-A.
Other names: c.4744G>A, p.Val1582Ile (NM_001077183.3); c.4876G>A, p.Val1626Ile (NM_001114382.3); c.4636G>A, p.Val1546Ile (NM_001318827.2); c.4600G>A, p.Val1534Ile (NM_001318829.2); c.4213G>A, p.Val1405Ile (NM_001318831.2); c.4777G>A, p.Val1593Ile (NM_001318832.2); c.4747G>A, p.Val1583Ile (NM_001363528.2); c.4813G>A, p.Val1605Ile (NM_001370404.1); and 1 more; short protein forms V1605I, V1534I, V1593I, V1606I, V1405I, V1583I, V1546I, V1582I.
Identifiers: ClinVar variation 640309 (VCV000640309.13), dbSNP rs768846712, ClinGen allele CA053113.
Genomic context (GRCh38, chr16:2,086,827, plus strand): 5'-GACGTGGACAAGCACCGCTGCGACAAGAAGCGCCACCTGGGCAACGACTTTGTGTCCATT[G>A]TCTACAATGACTCCGGTGAGGACTTCAAGCTTGGCACCATCAAGGTGAGTGAGGGGCCGT-3'
Protein context (NP_000539.2, residues 1639-1659): RHLGNDFVSI[Val1649Ile]YNDSGEDFKL

ClinVar aggregate classification (germline): Conflicting classifications of pathogenicity. Review status: criteria provided, conflicting classifications (1 of 4 stars). 3 submissions from 3 submitters: Uncertain significance (1); Benign (1); Likely benign (1). Last evaluated 2026-02-03.

Conditions:
Hereditary cancer-predisposing syndrome. Also called: Hereditary Cancer Syndrome; Hereditary neoplastic syndrome; Tumor predisposition; Neoplastic Syndromes, Hereditary. Identifiers: Orphanet 140162, MedGen C0027672, MeSH D009386, MONDO:0015356.
Tuberous sclerosis 2 (TSC2). Identifiers: Orphanet 805, MedGen C1860707, MONDO:0013199, OMIM 613254.

Allele frequency attached by ClinVar (database versions not stated): ExAC 0.00004; gnomAD exomes 0.00001.
gnomAD v4.1: 4 of 1,608,610 alleles (0.00025%); highest among the groups gnomAD compares: South Asian, 0.0011%; no homozygotes.

Submissions (3):

Labcorp Genetics (formerly Invitae), Labcorp
Classification: Benign for Tuberous sclerosis 2. Last evaluated: 2026-02-03. Review status: criteria provided, single submitter. Criteria: Invitae Variant Classification Sherloc (09022015). Collection method: clinical testing. Allele origin: germline.

Dasa
Classification: Uncertain significance for Tuberous sclerosis 2. Last evaluated: 2025-12-23. Review status: criteria provided, single submitter. Criteria: DASA Assertion Criteria. Collection method: clinical testing. Allele origin: germline.
Comment: NM_000548.5(TSC2):c.4945G>A (p.Val1649Ile) is a missense variant that results in the substitution of valine with isoleucine. This variant is rare in population databases. The currently available literature and clinical evidence are not sufficient to establish a definitive association between this variant and the reported condition. Therefore, this variant is classified as a variant of uncertain significance.

Ambry Genetics
Classification: Likely benign for Hereditary cancer-predisposing syndrome. Last evaluated: 2020-02-06. Review status: criteria provided, single submitter. Criteria: Ambry Variant Classification Scheme 2023. Collection method: clinical testing. Allele origin: germline.